The following continues an entry in ClinVar:

NM_000169.3(GLA):c.352C>T (p.Arg118Cys)

ClinVar aggregate classification (germline): Conflicting classifications of pathogenicity. Uncertain significance (19); Likely benign (4).

Submissions 27 to 28 of 28:

GeneReviews
No classification provided. Condition: Fabry disease. Review status: no classification provided. Collection method: literature only. Allele origin: germline. Not counted in ClinVar's aggregate classification.

Eurofins Ntd Llc (ga)
Classification: Likely pathogenic. Last evaluated: 2018-01-11. Review status: flagged submission. Criteria: EGL Classification Definitions 2015. Collection method: clinical testing. Allele origin: germline. Observed: 32 variant alleles, 25 heterozygotes, 7 hemizygotes. Not counted in ClinVar's aggregate classification.
ClinVar note: Reason: Older and outlier claim with insufficient supporting evidence

Literature cited by the submitters: PubMed 31907047 (cited by 3 submitters); PubMed 31566927 (cited by 4 submitters); PubMed 31291414 (cited by 5 submitters); PubMed 32198894 (cited by Genomenon, Inc); PubMed 36745055 (cited by Genomenon, Inc); PubMed 29853467 (cited by Genomenon, Inc); PubMed 31996269 (cited by 3 submitters); PubMed 20122163 (cited by 11 submitters); PubMed 36624527 (cited by Genomenon, Inc); PubMed 38395389 (cited by Genomenon, Inc); PubMed 27657681 (cited by Genomenon, Inc); PubMed 26070511 (cited by Genomenon, Inc and Mayo Clinic Laboratories, Mayo Clinic); PubMed 22205110 (cited by 3 submitters); PubMed 27788225 (cited by Genomenon, Inc); PubMed 23935525 (cited by 10 submitters); PubMed 39704415 (cited by Genomenon, Inc); PubMed 25409744 (cited by Genomenon, Inc); PubMed 32023956 (cited by Genomenon, Inc); PubMed 26866599 (cited by 4 submitters); PubMed 34190205 (cited by Genomenon, Inc); PubMed 16773563 (cited by 10 submitters); PubMed 18830871 (cited by 6 submitters); PubMed 20110537 (cited by 8 submitters); PubMed 21890869 (cited by 4 submitters); PubMed 21946453 (cited by 3 submitters); PubMed 22551898 (cited by 9 submitters); PubMed 24582695 (cited by 6 submitters); PubMed 24661928 (cited by 7 submitters); PubMed 25468652 (cited by 9 submitters); PubMed 28299312 (cited by 4 submitters); PubMed 28409012 (cited by 4 submitters); PubMed 28596458 (cited by Serv. Biochemistry and Molecular genetics, Hospital Clinic de Barcelona, Hospital Clínic de Barcelona and Broad Center for Mendelian Genomics, Broad Institute of MIT and Harvard); PubMed 28646478 (cited by 4 submitters); PubMed 28941980 (cited by 6 submitters); PubMed 25179549 (cited by 5 submitters); PubMed 29631605 (cited by Labcorp Genetics (formerly Invitae), Labcorp and Mayo Clinic Laboratories, Mayo Clinic); PubMed 30569317 (cited by 4 submitters); PubMed 30773290 (cited by Labcorp Genetics (formerly Invitae), Labcorp and Mayo Clinic Laboratories, Mayo Clinic); PubMed 24829596 (cited by 3 submitters); PubMed 29330335 (cited by Ambry Genetics and Mayo Clinic Laboratories, Mayo Clinic); PubMed 30246259 (cited by Ambry Genetics and Mayo Clinic Laboratories, Mayo Clinic); PubMed 33324335 (cited by Ambry Genetics); PubMed 35743707 (cited by Ambry Genetics and Color Diagnostics, LLC DBA Color Health); PubMed 22437327 (cited by Women's Health and Genetics/Laboratory Corporation of America, LabCorp); PubMed 20716442 (cited by Women's Health and Genetics/Laboratory Corporation of America, LabCorp); PubMed 23306324 (cited by Women's Health and Genetics/Laboratory Corporation of America, LabCorp); PubMed 24395922 (cited by Women's Health and Genetics/Laboratory Corporation of America, LabCorp); PubMed 23922385 (cited by Women's Health and Genetics/Laboratory Corporation of America, LabCorp); PubMed 26305465 (cited by 3 submitters); PubMed 31654629 (cited by Women's Health and Genetics/Laboratory Corporation of America, LabCorp and Mayo Clinic Laboratories, Mayo Clinic); PubMed 32531501 (cited by 3 submitters); PubMed 31449323 (cited by Women's Health and Genetics/Laboratory Corporation of America, LabCorp and Mayo Clinic Laboratories, Mayo Clinic); PubMed 32418857 (cited by Women's Health and Genetics/Laboratory Corporation of America, LabCorp and Mayo Clinic Laboratories, Mayo Clinic); PubMed 31860127 (cited by Women's Health and Genetics/Laboratory Corporation of America, LabCorp and Mayo Clinic Laboratories, Mayo Clinic); PubMed 33527381 (cited by Women's Health and Genetics/Laboratory Corporation of America, LabCorp); PubMed 25382311 (cited by Mayo Clinic Laboratories, Mayo Clinic); PubMed 28253518 (cited by Mayo Clinic Laboratories, Mayo Clinic); PubMed 28332257 (cited by Mayo Clinic Laboratories, Mayo Clinic); PubMed 28892806 (cited by Mayo Clinic Laboratories, Mayo Clinic); PubMed 29132836 (cited by Mayo Clinic Laboratories, Mayo Clinic); PubMed 29143201 (cited by Mayo Clinic Laboratories, Mayo Clinic); PubMed 29227985 (cited by Mayo Clinic Laboratories, Mayo Clinic); PubMed 29305833 (cited by Mayo Clinic Laboratories, Mayo Clinic); PubMed 33712733 (cited by Mayo Clinic Laboratories, Mayo Clinic); PubMed 8878432 (cited by Victorian Clinical Genetics Services, Murdoch Childrens Research Institute); PubMed 18003767 (cited by Victorian Clinical Genetics Services, Murdoch Childrens Research Institute); PubMed 30477121 (cited by Victorian Clinical Genetics Services, Murdoch Childrens Research Institute); PubMed 31613176 (cited by Victorian Clinical Genetics Services, Murdoch Childrens Research Institute); PubMed 1677356 (cited by Victorian Clinical Genetics Services, Murdoch Childrens Research Institute); PubMed 24365053 (cited by Laboratory for Molecular Medicine, Mass General Brigham Personalized Medicine); NCBI Bookshelf NBK1292 (cited by GeneReviews).